The following is an entry in ClinVar:

NM_001367873.1(SOX6):c.797C>T (p.Pro266Leu)

Genes: SOX6 (SRY-box transcription factor 6; minus strand), LOC128772343 (melanoma risk locus-associated MPRA allelic enhancer 11:16133413; plus strand). Cytogenetic location: 11p15.2.
Variant type: single nucleotide variant.
Coding change: c.797C>T on transcript NM_001367873.1 (MANE Select); coding-DNA position 797, C replaced by T.
Protein change: p.Pro266Leu; replaces proline 266 with leucine.
Molecular consequence: missense variant.
Genome position (GRCh38, 1-based): chr11:16,111,904, G>A on the plus strand (C>T on the coding strand, the complement: SOX6 is on the minus strand). VCF-style: chr11-16111904-G-A. GRCh37 (hg19) VCF-style: chr11-16133450-G-A.
Other names: c.797C>T, p.Pro266Leu (NM_001145811.2, NM_001145819.2, NM_001367872.1 and 2 more transcripts); short protein forms P266L.
Identifiers: ClinVar variation 4278660 (VCV004278660.2).

ClinVar aggregate classification (germline): Uncertain significance (1 of 4 stars; one submission).

gnomAD v4.1: 5 of 1,612,340 alleles (0.00031%); highest among the groups gnomAD compares: Non-Finnish European, 0.00034%; no homozygotes.

Submission:

GeneDx
Classification: Uncertain significance. Last evaluated: 2026-10-15. Review status: criteria provided, single submitter. Criteria: GeneDx Variant Classification Process June 2021. Collection method: clinical testing. Allele origin: germline.
Comment: Not observed at significant frequency in large population cohorts (gnomAD); In silico analysis supports that this missense variant has a deleterious effect on protein structure/function; Has not been previously published as pathogenic or benign to our knowledge